The following is an entry in ClinVar:

NM_001099857.5(IKBKG):c.910del (p.Gln304fs)

Gene: IKBKG (inhibitor of nuclear factor kappa B kinase regulatory subunit gamma; plus strand). Cytogenetic location: Xq28.
Variant type: Deletion.
Coding change: c.910del on transcript NM_001099857.5 (MANE Select); coding-DNA position 910, one base deleted (C; older notation c.910delC).
Protein change: p.Gln304fs; shifts the reading frame from glutamine 304.
Molecular consequence: frameshift variant. On other transcripts: non-coding transcript variant (1), intron variant (1).
Genome position (GRCh38, 1-based): chrX:154,562,951, C deleted; the last of 3 consecutive C bases (chrX:154,562,949-154,562,951); deleting any one gives the same sequence. VCF-style (leftmost placement, unchanged base first): chrX-154562948-GC-G. GRCh37 (hg19) VCF-style: chrX-153791163-GC-G.
Other names: c.1114del, p.Gln372fs (NM_001099856.6); c.910del, p.Gln304fs (NM_001321396.3, NM_001377312.1, NM_003639.4); c.907del, p.Gln303fs (NM_001321397.3, NM_001377313.1); c.754del, p.Gln252fs (NM_001377314.1); c.541del, p.Gln181fs (NM_001377315.1); c.616-608del (NM_001145255.4); short protein forms Q181fs, Q252fs, Q303fs, Q304fs, Q372fs.
Identifiers: ClinVar variation 5018636 (VCV005018636.1).

ClinVar aggregate classification (germline): Likely pathogenic (1 of 4 stars; one submission).

Conditions:
Ectodermal dysplasia and immunodeficiency 1 (EDAID1). Also called: ECTODERMAL DYSPLASIA AND IMMUNE DEFICIENCY 1; Hyper-IgM immunodeficiency, X-linked, with hypohidrotic ectodermal dysplasia; ECTODERMAL DYSPLASIA, ANHIDROTIC, WITH IMMUNE DEFICIENCY. Identifiers: Orphanet 238468, Orphanet 98813, MedGen C1846008, MONDO:0020740, OMIM 300291.
Immunodeficiency 33 (IMD33). Also called: X-linked mendelian susceptibility to mycobacterial diseases due to IKBKG deficiency; Immunodeficiency without anhidrotic ectodermal dysplasia. Identifiers: Orphanet 319605, Orphanet 319612, MedGen C1970879, MONDO:0010386, OMIM 300636.
Autoinflammatory disease, X-linked. Also called: AUTOINFLAMMATORY DISEASE, SYSTEMIC, X-LINKED. Identifiers: Orphanet 699605, MedGen C5676885, MONDO:0800129, OMIM 301081.
Incontinentia pigmenti syndrome (IP). Also called: BLOCH-SULZBERGER SYNDROME; INCONTINENTIA PIGMENTI, FAMILIAL MALE-LETHAL TYPE; INCONTINENTIA PIGMENTI, TYPE II; Incontinentia Pigmenti. Identifiers: Orphanet 464, MedGen C0021171, MONDO:0010631, OMIM 308300.

Submission:

Juno Genomics, Hangzhou Juno Genomics, Inc
Classification: Likely pathogenic for Autoinflammatory disease, X-linked; Ectodermal dysplasia and immunodeficiency 1; Immunodeficiency 33; Incontinentia pigmenti syndrome. Review status: criteria provided, single submitter. Criteria: ACMG Guidelines, 2015. Collection method: clinical testing. Allele origin: germline. Affected: yes.
Comment: Absent from controls (or at extremely low frequency if recessive) in Genome Aggregation Database.;Null variant in a gene where loss of function (LOF) is a known mechanism of disease.